The following is an entry in ClinVar:

ClinVar aggregate classification (germline): Uncertain significance. Review status: criteria provided, multiple submitters, no conflicts (2 of 4 stars). 2 submissions from 2 submitters: Uncertain significance (2). Last evaluated 2026-06-15.

Conditions:
Inborn genetic diseases. Identifiers: MedGen C0950123, MeSH D030342.

Submissions (2):

Ambry Genetics
Classification: Uncertain significance for Inborn genetic diseases. Last evaluated: 2026-06-15. Review status: criteria provided, single submitter. Criteria: Ambry Variant Classification Scheme 2023. Collection method: clinical testing. Allele origin: germline.

Labcorp Genetics (formerly Invitae), Labcorp
Classification: Uncertain significance. Last evaluated: 2024-09-21. Review status: criteria provided, single submitter. Criteria: Invitae Variant Classification Sherloc (09022015). Collection method: clinical testing. Allele origin: germline.
Comment: This sequence change replaces glutamine, which is neutral and polar, with leucine, which is neutral and non-polar, at codon 349 of the AUTS2 protein (p.Gln349Leu). This variant is not present in population databases (gnomAD no frequency). This variant has not been reported in the literature in individuals affected with AUTS2-related conditions. An algorithm developed to predict the effect of missense changes on protein structure and function (PolyPhen-2) suggests that this variant is likely to be tolerated. In summary, the available evidence is currently insufficient to determine the role of this variant in disease. Therefore, it has been classified as a Variant of Uncertain Significance.

NM_015570.4(AUTS2):c.1046A>T (p.Gln349Leu)

Gene: AUTS2 (activator of transcription and developmental regulator AUTS2; plus strand). Cytogenetic location: 7q11.22.
Variant type: single nucleotide variant.
Coding change: c.1046A>T on transcript NM_015570.4 (MANE Select); coding-DNA position 1046, A replaced by T.
Protein change: p.Gln349Leu; replaces glutamine 349 with leucine.
Molecular consequence: missense variant.
Genome position (GRCh38, 1-based): chr7:70,763,173, A>T. VCF-style: chr7-70763173-A-T. GRCh37 (hg19) VCF-style: chr7-70228159-A-T.
Other names: c.1046A>T, p.Gln349Leu (NM_001127231.3); c.1046A>T (NM_015570.2); short protein forms Q349L.
Identifiers: ClinVar variation 3730740 (VCV003730740.3).